The following is an entry in ClinVar:

NM_024753.5(TTC21B):c.2734G>A (p.Val912Ile)

Gene: TTC21B (tetratricopeptide repeat domain 21B; minus strand). Cytogenetic location: 2q24.3.
Variant type: single nucleotide variant.
Coding change: c.2734G>A on transcript NM_024753.5 (MANE Select); coding-DNA position 2734, G replaced by A.
Protein change: p.Val912Ile; replaces valine 912 with isoleucine.
Molecular consequence: missense variant.
Genome position (GRCh38, 1-based): chr2:165,901,745, C>T on the plus strand (G>A on the coding strand, the complement: TTC21B is on the minus strand). VCF-style: chr2-165901745-C-T. GRCh37 (hg19) VCF-style: chr2-166758255-C-T.
Other names: short protein forms V912I.
Identifiers: ClinVar variation 1480756 (VCV001480756.8), dbSNP rs756613993, ClinGen allele CA349052126.

ClinVar aggregate classification (germline): Uncertain significance (1 of 4 stars; one submission).

Conditions:
Jeune thoracic dystrophy. Also called: Jeune syndrome; Infantile thoracic dystrophy; Thoracic pelvic phalangeal dystrophy; Jeune's syndrome; Chondroectodermal dysplasia-like syndrome; Short-rib thoracic dysplasia. Identifiers: Orphanet 474, MedGen C0265275, MONDO:0018770.
Nephronophthisis. Also called: Juvenile Nephronophthisis. Identifiers: Orphanet 655, MedGen C0687120, MONDO:0019005, HP:0000090.

Submission:

Labcorp Genetics (formerly Invitae), Labcorp
Classification: Uncertain significance for Jeune thoracic dystrophy; Nephronophthisis. Last evaluated: 2022-08-31. Review status: criteria provided, single submitter. Criteria: Invitae Variant Classification Sherloc (09022015). Collection method: clinical testing. Allele origin: germline.
Comment: This sequence change replaces valine, which is neutral and non-polar, with isoleucine, which is neutral and non-polar, at codon 912 of the TTC21B protein (p.Val912Ile). This variant is not present in population databases (gnomAD no frequency). This variant has not been reported in the literature in individuals affected with TTC21B-related conditions. ClinVar contains an entry for this variant (Variation ID: 1480756). Algorithms developed to predict the effect of missense changes on protein structure and function (SIFT, PolyPhen-2, Align-GVGD) all suggest that this variant is likely to be tolerated. In summary, the available evidence is currently insufficient to determine the role of this variant in disease. Therefore, it has been classified as a Variant of Uncertain Significance.